The following is an entry in ClinVar:

NM_000428.3(LTBP2):c.2441C>G (p.Thr814Ser)

Gene: LTBP2 (latent transforming growth factor beta binding protein 2; minus strand). Cytogenetic location: 14q24.3.
Variant type: single nucleotide variant.
Coding change: c.2441C>G on transcript NM_000428.3 (MANE Select); coding-DNA position 2441, C replaced by G.
Protein change: p.Thr814Ser; replaces threonine 814 with serine.
Molecular consequence: missense variant.
Genome position (GRCh38, 1-based): chr14:74,525,213, G>C on the plus strand (C>G on the coding strand, the complement: LTBP2 is on the minus strand). VCF-style: chr14-74525213-G-C. GRCh37 (hg19) VCF-style: chr14-74991916-G-C.
Other names: short protein forms T814S.
Identifiers: ClinVar variation 487459 (VCV000487459.1), dbSNP rs1555349144, ClinGen allele CA390392904.

ClinVar aggregate classification (germline): Uncertain significance (1 of 4 stars; one submission).

Conditions:
Weill-Marchesani syndrome 3 (WMS3). Also called: Weill-Marchesani syndrome 3, recessive; LTBP2-Related Weill-Marchesani Syndrome. Identifiers: Orphanet 3449, MedGen C3553785, MONDO:0013899, OMIM 614819.

Submission:

Center for Genomics, Ann and Robert H. Lurie Children's Hospital of Chicago
Classification: Uncertain significance for Weill-Marchesani syndrome 3. Last evaluated: 2017-08-01. Review status: criteria provided, single submitter. Criteria: ACMG Guidelines, 2015. Collection method: clinical testing. Allele origin: germline.
Comment: LTBP2 NM_000428.2 exon15 p.Thr814Ser (c.2441C>G): This variant has not been reported in the literature and is not present in large control databases. Evolutionary conservation and computational predictive tools for this variant are unclear. In summary, data on this variant is insufficient for disease classification. Therefore, the clinical significance of this variant is uncertain.